The following is an entry in ClinVar:

ClinVar aggregate classification (germline): Conflicting classifications of pathogenicity. Review status: criteria provided, conflicting classifications (1 of 4 stars). 5 submissions from 5 submitters: Uncertain significance (4); Likely benign (1). Last evaluated 2025-09-17.

Conditions:
Familial temporal lobe epilepsy 7. Identifiers: Orphanet 101046, MedGen C4225327, MONDO:0014639, OMIM 616436.
Norman-Roberts syndrome (LIS2). Also called: Lissencephaly 2 (Norman-Roberts type). Identifiers: Orphanet 89844, MedGen C0796089, MONDO:0009760, OMIM 257320.

Allele frequency attached by ClinVar (database versions not stated): gnomAD exomes 0.00002; gnomAD 0.00003; TOPMed 0.00003.
gnomAD v4.1: 124 of 1,614,006 alleles (0.0077%); highest among the groups gnomAD compares: South Asian, 0.018%; no homozygotes.

Submissions (5):

Labcorp Genetics (formerly Invitae), Labcorp
Classification: Likely benign for Familial temporal lobe epilepsy 7; Norman-Roberts syndrome. Last evaluated: 2025-09-17. Review status: criteria provided, single submitter. Criteria: Invitae Variant Classification Sherloc (09022015). Collection method: clinical testing. Allele origin: germline.

GeneDx
Classification: Uncertain significance. Last evaluated: 2025-06-04. Review status: criteria provided, single submitter. Criteria: GeneDx Variant Classification Process June 2021. Collection method: clinical testing. Allele origin: germline. Affected: yes.
Comment: Seen with a second RELN variant, phase unknown, in a proband with epilepsy (PMID: 31031587); Not observed at significant frequency in large population cohorts (gnomAD); In silico analysis suggests that this missense variant does not alter protein structure/function; This variant is associated with the following publications: (PMID: 31031587)

Blueprint Genetics
Classification: Uncertain significance. Last evaluated: 2023-12-13. Review status: criteria provided, single submitter. Criteria: ACMG Guidelines, 2015. Collection method: clinical testing. Allele origin: germline.

Women's Health and Genetics/Laboratory Corporation of America, LabCorp
Classification: Uncertain significance. Last evaluated: 2023-09-15. Review status: criteria provided, single submitter. Criteria: LabCorp Variant Classification Summary - May 2015. Collection method: clinical testing. Allele origin: germline.
Comment: Variant summary: RELN c.7147G>A (p.Ala2383Thr) results in a non-conservative amino acid change in the encoded protein sequence. Four of five in-silico tools predict a damaging effect of the variant on protein function. The variant allele was found at a frequency of 1.6e-05 in 251058 control chromosomes (gnomAD). The available data on variant occurrences in the general population are insufficient to allow any conclusion about variant significance. c.7147G>A has been reported in the literature in the heterozygous state in an individual affected with epilepsy who had a second variant of unknown clinical significance in the RELN gene (phase undetermined) (Xiong_2019). This report does not provide unequivocal conclusions about association of the variant with Epilepsy Familial Temporal Lobe 7. To our knowledge, no experimental evidence demonstrating an impact on protein function has been reported. The following publication has been ascertained in the context of this evaluation (PMID: 31031587). Two submitters have cited clinical-significance assessments for this variant to ClinVar after 2014 and both classified the variant as uncertain significance. Based on the evidence outlined above, the variant was classified as uncertain significance.

Baylor Genetics
Classification: Uncertain significance for Norman-Roberts syndrome. Last evaluated: 2018-02-08. Review status: criteria provided, single submitter. Criteria: ACMG Guidelines, 2015. Collection method: clinical testing. Allele origin: paternal. Affected: yes.
Comment: This variant was determined to be of uncertain significance according to ACMG Guidelines, 2015 [PMID:25741868].

Literature cited by the submitters: PubMed 31031587 (cited by Women's Health and Genetics/Laboratory Corporation of America, LabCorp).

NM_005045.4(RELN):c.7147G>A (p.Ala2383Thr)

Gene: RELN (reelin; minus strand). Cytogenetic location: 7q22.1.
Variant type: single nucleotide variant.
Coding change: c.7147G>A on transcript NM_005045.4 (MANE Select); coding-DNA position 7147, G replaced by A.
Protein change: p.Ala2383Thr; replaces alanine 2383 with threonine.
Molecular consequence: missense variant.
Genome position (GRCh38, 1-based): chr7:103,539,111, C>T on the plus strand (G>A on the coding strand, the complement: RELN is on the minus strand). VCF-style: chr7-103539111-C-T. GRCh37 (hg19) VCF-style: chr7-103179558-C-T.
Other names: c.7147G>A, p.Ala2383Thr (NM_173054.3); short protein forms A2383T.
Identifiers: ClinVar variation 475983 (VCV000475983.9), dbSNP rs978248682, ClinGen allele CA163941419.